The following is an entry in ClinVar:

NM_007294.4(BRCA1):c.5355G>C (p.Gln1785His)

Gene: BRCA1 (BRCA1 DNA repair associated; minus strand). Cytogenetic location: 17q21.31.
Variant type: single nucleotide variant.
Coding change: c.5355G>C on transcript NM_007294.4 (MANE Select); coding-DNA position 5355, G replaced by C.
Protein change: p.Gln1785His; replaces glutamine 1785 with histidine.
Molecular consequence: missense variant. On other transcripts: non-coding transcript variant (1), intron variant (1).
Genome position (GRCh38, 1-based): chr17:43,049,172, C>G on the plus strand (G>C on the coding strand, the complement: BRCA1 is on the minus strand). VCF-style: chr17-43049172-C-G. GRCh37 (hg19) VCF-style: chr17-41201189-C-G.
Other names: c.5142G>C, p.Gln1714His (NM_001407571.1, NM_001407894.1, NM_001407895.1 and 12 more transcripts); c.5421G>C, p.Gln1807His (NM_001407581.1, NM_001407582.1); c.5418G>C, p.Gln1806His (NM_001407583.1, NM_001407585.1, NM_001407587.1 and 1 more transcripts); c.5415G>C, p.Gln1805His (NM_001407590.1, NM_001407591.1); c.5355G>C, p.Gln1785His (NM_001407593.1, NM_001407594.1, NM_001407596.1 and 5 more transcripts); c.5352G>C, p.Gln1784His (NM_001407610.1, NM_001407611.1, NM_001407612.1 and 14 more transcripts); c.5349G>C, p.Gln1783His (NM_001407630.1, NM_001407631.1, NM_001407632.1 and 13 more transcripts); c.5277G>C, p.Gln1759His (NM_001407652.1, NM_001407653.1, NM_001407654.1 and 1 more transcripts); and 73 more; short protein forms Q1806H, Q681H, Q1738H, Q1785H, Q1658H, Q1672H, Q1697H, Q1757H.
Identifiers: ClinVar variation 868371 (VCV000868371.3), dbSNP rs397509269, ClinGen allele CA10590753.

Conditions:
Breast-ovarian cancer, familial, susceptibility to, 1 (BROVCA1). Also called: BRCA1 Hereditary Breast and Ovarian Cancer; OVARIAN CANCER, SUSCEPTIBILITY TO. Identifiers: Orphanet 145, MedGen C2676676, MONDO:0011450, OMIM 604370. Disease mechanism: loss of function.

Submission:

Brotman Baty Institute, University of Washington
No classification provided (evidence only). Condition: Breast-ovarian cancer, familial 1. Review status: no classification provided. Collection method: in vitro. Allele origin: not applicable. Functional consequence: functionally_normal.
ClinVar note: "not provided" was previously submitted as the classification for the variant. However, the classification appeared to be based only on an observation of functional data so it was converted to no classification on 2025-07-30.